The following is an entry in ClinVar:

ClinVar aggregate classification (germline): Pathogenic (1 of 4 stars; one submission).

Conditions:
PMM2-congenital disorder of glycosylation. Also called: CDG Ia; JAEKEN SYNDROME; PHOSPHOMANNOMUTASE 2 DEFICIENCY; CARBOHYDRATE-DEFICIENT GLYCOPROTEIN SYNDROME, TYPE Ia; Congenital disorder of glycosylation, type Ia; PMM2-CDG. Identifiers: Orphanet 79318, MedGen C0349653, MONDO:0008907, OMIM 212065.

Submission:

Labcorp Genetics (formerly Invitae), Labcorp
Classification: Pathogenic for PMM2-congenital disorder of glycosylation. Last evaluated: 2022-08-05. Review status: criteria provided, single submitter. Criteria: Invitae Variant Classification Sherloc (09022015). Collection method: clinical testing. Allele origin: unknown.
Comment: For these reasons, this variant has been classified as Pathogenic. This variant has not been reported in the literature in individuals affected with PMM2-related conditions. This variant is a gross deletion of the genomic region encompassing exon(s) 1-2 of the PMM2 gene, which includes the initiator codon. This deletion extends beyond the assayed region for this gene and therefore may encompass additional genes. It is expected to result in an absent or disrupted protein product. Loss-of-function variants in PMM2 are known to be pathogenic (PMID: 19862844).

Literature cited by the submitters: PubMed 19862844.

NC_000016.9:g.(?_8891730)_(8895777_?)del

Gene: PMM2 (phosphomannomutase 2; plus strand). Cytogenetic location: 16p13.2.
Variant type: Deletion.
Identifiers: ClinVar variation 3243362 (VCV003243362.1).